The following is an entry in ClinVar:

ClinVar aggregate classification (germline): Uncertain significance (1 of 4 stars; one submission).

Conditions:
Neuromuscular disease caused by qualitative or quantitative defects of dysferlin. Also called: Qualitative or quantitative defects of dysferlin; Dysferlinopathy. Identifiers: Orphanet 207073, MedGen C2931687, MONDO:0016145.

Submission:

Labcorp Genetics (formerly Invitae), Labcorp
Classification: Uncertain significance for Neuromuscular disease caused by qualitative or quantitative defects of dysferlin. Last evaluated: 2021-03-16. Review status: criteria provided, single submitter. Criteria: Invitae Variant Classification Sherloc (09022015). Collection method: clinical testing. Allele origin: germline.
Comment: This sequence change replaces phenylalanine with isoleucine at codon 1847 of the DYSF protein (p.Phe1847Ile). The phenylalanine residue is moderately conserved and there is a small physicochemical difference between phenylalanine and isoleucine. This variant is not present in population databases (ExAC no frequency). This variant has not been reported in the literature in individuals with DYSF-related conditions. Advanced modeling of protein sequence and biophysical properties (such as structural, functional, and spatial information, amino acid conservation, physicochemical variation, residue mobility, and thermodynamic stability) performed at Invitae indicates that this missense variant is not expected to disrupt DYSF protein function. In summary, the available evidence is currently insufficient to determine the role of this variant in disease. Therefore, it has been classified as a Variant of Uncertain Significance.

NM_001130987.2(DYSF):c.5656T>A (p.Phe1886Ile)

Gene: DYSF (dysferlin; plus strand). Cytogenetic location: 2p13.2.
Variant type: single nucleotide variant.
Coding change: c.5656T>A on transcript NM_001130987.2 (MANE Select); coding-DNA position 5656, T replaced by A.
Protein change: p.Phe1886Ile; replaces phenylalanine 1886 with isoleucine.
Molecular consequence: missense variant.
Genome position (GRCh38, 1-based): chr2:71,669,618, T>A. VCF-style: chr2-71669618-T-A. GRCh37 (hg19) VCF-style: chr2-71896748-T-A.
Other names: c.5560T>A, p.Phe1854Ile (NM_001130977.2); c.5602T>A, p.Phe1868Ile (NM_001130978.2); c.5632T>A, p.Phe1878Ile (NM_001130979.2); c.5590T>A, p.Phe1864Ile (NM_001130980.2); c.5542T>A, p.Phe1848Ile (NM_001130455.2); c.5497T>A, p.Phe1833Ile (NM_001130976.2); c.5653T>A, p.Phe1885Ile (NM_001130981.2); c.5635T>A, p.Phe1879Ile (NM_001130982.2); and 5 more; short protein forms F1833I, F1834I, F1854I, F1855I, F1865I, F1869I, F1878I, F1879I.
Identifiers: ClinVar variation 1936246 (VCV001936246.2), dbSNP rs1001429537, ClinGen allele CA347223421.